The following is an entry in ClinVar:

ClinVar aggregate classification (germline): Uncertain significance (1 of 4 stars; one submission).

Conditions:
Neurofibromatosis, type 1 (NF1). Also called: Peripheral type neurofibromatosis; Neurofibromatosis, type I; VON RECKLINGHAUSEN DISEASE; NEUROFIBROMATOSIS, TYPE I, SOMATIC. Identifiers: Orphanet 636, MedGen C0027831, MONDO:0018975, OMIM 162200. Disease mechanism: loss of function.

Submission:

Labcorp Genetics (formerly Invitae), Labcorp
Classification: Uncertain significance for Neurofibromatosis, type 1. Last evaluated: 2019-06-19. Review status: criteria provided, single submitter. Criteria: Invitae Variant Classification Sherloc (09022015). Collection method: clinical testing. Allele origin: germline.
Comment: This variant is not present in population databases (ExAC no frequency). In summary, the available evidence is currently insufficient to determine the role of this variant in disease. Therefore, it has been classified as a Variant of Uncertain Significance. Nucleotide substitutions within the consensus splice site are a relatively common cause of aberrant splicing (PMID: 17576681, 9536098). Algorithms developed to predict the effect of sequence changes on RNA splicing suggest that this variant may disrupt the consensus splice site, but this prediction has not been confirmed by published transcriptional studies. This variant has been reported in individuals in the Leiden Open-source Variation Database (PMID: 21520333). This sequence change falls in intron 3 of the NF1 gene. It does not directly change the encoded amino acid sequence of the NF1 protein, but it affects a nucleotide within the consensus splice site of the intron.

Literature cited by the submitters: PubMed 17576681; PubMed 9536098; PubMed 21520333.

NM_001042492.3(NF1):c.288+3A>T

Gene: NF1 (neurofibromin 1; plus strand). Cytogenetic location: 17q11.2.
Variant type: single nucleotide variant.
Coding change: c.288+3A>T on transcript NM_001042492.3 (MANE Select); 3 bases into the intron after coding-DNA position 288, A replaced by T.
Molecular consequence: intron variant.
Genome position (GRCh38, 1-based): chr17:31,159,096, A>T. VCF-style: chr17-31159096-A-T. GRCh37 (hg19) VCF-style: chr17-29486114-A-T.
Other names: c.288+3A>T (NM_000267.4, NM_001128147.3).
Identifiers: ClinVar variation 942422 (VCV000942422.6), dbSNP rs2065718699, ClinGen allele CA1139665352.